The following is an entry in ClinVar:

NM_012330.4(KAT6B):c.3401del (p.Gly1134fs)

Gene: KAT6B (lysine acetyltransferase 6B; plus strand). Cytogenetic location: 10q22.2.
Variant type: Deletion.
Coding change: c.3401del on transcript NM_012330.4 (MANE Select); coding-DNA position 3401, one base deleted (G; older notation c.3401delG).
Protein change: p.Gly1134fs; shifts the reading frame from glycine 1134.
Molecular consequence: frameshift variant.
Genome position (GRCh38, 1-based): chr10:75,024,986, G deleted; the last of 4 consecutive G bases (chr10:75,024,983-75,024,986); deleting any one gives the same sequence. VCF-style (leftmost placement, unchanged base first): chr10-75024982-AG-A. GRCh37 (hg19) VCF-style: chr10-76784740-AG-A.
Other names: c.2852del, p.Gly951fs (NM_001256468.2, NM_001370138.1); c.2525del, p.Gly842fs (NM_001256469.2, NM_001370139.1, NM_001370140.1 and 2 more transcripts); c.2363del, p.Gly788fs (NM_001370132.1); c.1712del, p.Gly571fs (NM_001370133.1); c.1316del, p.Gly439fs (NM_001370134.1); c.1058del, p.Gly353fs (NM_001370135.1); c.3401del, p.Gly1134fs (NM_001370136.1, NM_001370137.1); c.2336del, p.Gly779fs (NM_001370143.1, NM_001370144.1); and 1 more; short protein forms G439fs, G788fs, G571fs, G779fs, G842fs, G1134fs, G353fs, G951fs.
Identifiers: ClinVar variation 422790 (VCV000422790.7), dbSNP rs1064796000, ClinGen allele CA16618990.

ClinVar aggregate classification (germline): Pathogenic. Review status: criteria provided, multiple submitters, no conflicts (2 of 4 stars). 3 submissions from 3 submitters: Pathogenic (3). Last evaluated 2025-12-18.

Conditions:
Blepharophimosis - intellectual disability syndrome, SBBYS type (SBBYSS). Also called: Say-Barber-Biesecker-Young-Simpson variant of Ohdo Syndrome; Say-Barber-Biesecker Variant of Ohdo Syndrome; SBBYSS syndrome; Ohdo syndrome, SBBYS variant; Young Simpson syndrome; Mental retardation unusual facies hypothyroidism. Identifiers: Orphanet 3047, MedGen C1863557, MONDO:0011365, OMIM 603736.

Submissions (3):

3billion
Classification: Pathogenic for Blepharophimosis - intellectual disability syndrome, SBBYS type. Last evaluated: 2025-12-18. Review status: criteria provided, single submitter. Criteria: ACMG Guidelines, 2015. Collection method: clinical testing. Allele origin: germline. Affected: yes.
Comment: The variant is not observed in the gnomAD v4.1.0 dataset. Predicted Consequence/Location: Frameshift: predicted to result in a loss or disruption of normal protein function through nonsense-mediated decay (NMD) or protein truncation. Multiple pathogenic variants are reported downstream of the variant. The variant has been reported at least twice as pathogenic with clinical assertions and evidence for the classification (ClinVar ID: VCV000422790 /PMID: 32424177). Therefore, this variant is classified as Pathogenic according to the recommendation of ACMG/AMP guideline.

GeneDx
Classification: Pathogenic. Last evaluated: 2023-06-16. Review status: criteria provided, single submitter. Criteria: GeneDx Variant Classification Process June 2021. Collection method: clinical testing. Allele origin: germline. Affected: yes.
Comment: Frameshift variant predicted to result in protein truncation or nonsense mediated decay in a gene for which loss-of-function is a known mechanism of disease; Not observed in large population cohorts (gnomAD); This variant is associated with the following publications: (PMID: 32424177, 31785789, 33726816, 33004838)

Clinical Genetics Laboratory, Skane University Hospital Lund
Classification: Pathogenic. Last evaluated: 2022-05-27. Review status: criteria provided, single submitter. Criteria: ACMG Guidelines, 2015. Collection method: clinical testing. Allele origin: germline. Affected: yes.

Literature cited by the submitters: PubMed 32424177 (cited by 3billion).